The following is an entry in ClinVar:

NM_032776.3(JMJD1C):c.3101C>T (p.Pro1034Leu)

Gene: JMJD1C (jumonji domain containing 1C; minus strand). Cytogenetic location: 10q21.3.
Variant type: single nucleotide variant.
Coding change: c.3101C>T on transcript NM_032776.3 (MANE Select); coding-DNA position 3101, C replaced by T.
Protein change: p.Pro1034Leu; replaces proline 1034 with leucine.
Molecular consequence: missense variant. On other transcripts: non-coding transcript variant (1).
Genome position (GRCh38, 1-based): chr10:63,208,568, G>A on the plus strand (C>T on the coding strand, the complement: JMJD1C is on the minus strand). VCF-style: chr10-63208568-G-A. GRCh37 (hg19) VCF-style: chr10-64968328-G-A.
Other names: c.2555C>T, p.Pro852Leu (NM_001282948.2, NM_001318154.2); c.2237C>T, p.Pro746Leu (NM_001318153.2); c.2987C>T, p.Pro996Leu (NM_001322252.2); c.2444C>T, p.Pro815Leu (NM_001322254.2, NM_001322258.2); short protein forms P815L, P852L, P1034L, P746L, P996L.
Identifiers: ClinVar variation 2956941 (VCV002956941.3), dbSNP rs375290200, ClinGen allele CA5518490.

ClinVar aggregate classification (germline): Uncertain significance (1 of 4 stars; one submission).

Conditions:
Early Myoclonic Encephalopathy. Identifiers: MedGen C0270855.

Allele frequency attached by ClinVar (database versions not stated): gnomAD 0.00005; TOPMed 0.00008; gnomAD exomes below 0.00001; ExAC 0.00002; ESP Exome Variant Server 0.00008.
gnomAD v4.1: 15 of 1,613,830 alleles (0.00093%); highest among the groups gnomAD compares: African/African-American, 0.016%; no homozygotes.

Submission:

Labcorp Genetics (formerly Invitae), Labcorp
Classification: Uncertain significance for Early Myoclonic Encephalopathy. Last evaluated: 2025-01-28. Review status: criteria provided, single submitter. Criteria: Invitae Variant Classification Sherloc (09022015). Collection method: clinical testing. Allele origin: germline.
Comment: This sequence change replaces proline, which is neutral and non-polar, with leucine, which is neutral and non-polar, at codon 1034 of the JMJD1C protein (p.Pro1034Leu). This variant is present in population databases (rs375290200, gnomAD 0.02%). This variant has not been reported in the literature in individuals affected with JMJD1C-related conditions. ClinVar contains an entry for this variant (Variation ID: 2956941). Invitae Evidence Modeling of protein sequence and biophysical properties (such as structural, functional, and spatial information, amino acid conservation, physicochemical variation, residue mobility, and thermodynamic stability) indicates that this missense variant is expected to disrupt JMJD1C protein function with a positive predictive value of 80%. In summary, the available evidence is currently insufficient to determine the role of this variant in disease. Therefore, it has been classified as a Variant of Uncertain Significance.